The following is an entry in ClinVar:

ClinVar aggregate classification (germline): Benign/Likely benign. Review status: criteria provided, multiple submitters, no conflicts (2 of 4 stars). 2 submissions from 2 submitters: Benign (1); Likely benign (1). Last evaluated 2025-06-05.

Conditions:
Tuberous sclerosis 2 (TSC2). Identifiers: Orphanet 805, MedGen C1860707, MONDO:0013199, OMIM 613254.

Submissions (2):

Myriad Genetics, Inc.
Classification: Benign for Tuberous sclerosis 2. Last evaluated: 2025-06-05. Review status: criteria provided, single submitter. Criteria: Myriad Autosomal Dominant, Autosomal Recessive and X-Linked Classification Criteria (2023). Collection method: clinical testing. Allele origin: unknown.
Comment: This variant is considered benign. This variant is a silent/synonymous amino acid change and it is not expected to impact splicing.

Labcorp Genetics (formerly Invitae), Labcorp
Classification: Likely benign for Tuberous sclerosis 2. Last evaluated: 2025-06-04. Review status: criteria provided, single submitter. Criteria: Invitae Variant Classification Sherloc (09022015). Collection method: clinical testing. Allele origin: germline.

NM_000548.5(TSC2):c.5046G>A (p.Leu1682=)

Gene: TSC2 (TSC complex subunit 2; plus strand). Cytogenetic location: 16p13.3.
Variant type: single nucleotide variant.
Coding change: c.5046G>A on transcript NM_000548.5 (MANE Select); coding-DNA position 5046, G replaced by A.
Protein change: p.Leu1682=; no amino-acid change (leucine 1682 retained).
Molecular consequence: synonymous variant.
Genome position (GRCh38, 1-based): chr16:2,087,919, G>A. VCF-style: chr16-2087919-G-A. GRCh37 (hg19) VCF-style: chr16-2137920-G-A.
Other names: c.4845G>A, p.Leu1615= (NM_001077183.3); c.4977G>A, p.Leu1659= (NM_001114382.3); c.4737G>A, p.Leu1579= (NM_001318827.2); c.4701G>A, p.Leu1567= (NM_001318829.2); c.4314G>A, p.Leu1438= (NM_001318831.2); c.4878G>A, p.Leu1626= (NM_001318832.2); c.4848G>A, p.Leu1616= (NM_001363528.2); c.4914G>A, p.Leu1638= (NM_001370404.1); and 1 more.
Identifiers: ClinVar variation 1158701 (VCV001158701.10), dbSNP rs781417654, ClinGen allele CA493043617.